The following is an entry in ClinVar:

NM_000267.3:c.6130_6131insALU

Gene: NF1 (neurofibromin 1; plus strand).
Variant type: Insertion.
Identifiers: ClinVar variation 3237862 (VCV003237862.1).

ClinVar aggregate classification (germline): Pathogenic (1 of 4 stars; one submission).

Conditions:
Hereditary cancer-predisposing syndrome. Also called: Neoplastic Syndromes, Hereditary; Tumor predisposition; Hereditary neoplastic syndrome; Hereditary Cancer Syndrome. Identifiers: Orphanet 140162, MedGen C0027672, MeSH D009386, MONDO:0015356.
Cardiovascular phenotype. Identifiers: MedGen CN230736.

Submission:

Ambry Genetics
Classification: Pathogenic for Cardiovascular phenotype; Hereditary cancer-predisposing syndrome. Last evaluated: 2023-07-31. Review status: criteria provided, single submitter. Criteria: Ambry Variant Classification Scheme 2023. Collection method: clinical testing. Allele origin: germline.
Comment: The c.6130_6131insAlu likely pathogenic variant results from an Alu element insertion located in coding exon 41 of the NF1 gene. In addition, Alu element insertions have been shown to contribute to pathogenicity by either disrupting a coding region or a splice signal (Belancio VP et al. Semin. Cancer Biol. 2010 Aug;20:200-10; Deininger P. Genome Biol. 2011 Dec;12:236). Based on the supporting evidence, this alteration is interpreted as a disease-causing mutation.